The following continues an entry in ClinVar:

NM_000059.4(BRCA2):c.1813dup (p.Ile605fs)

Gene: BRCA2. ClinVar aggregate classification (germline): Pathogenic. Pathogenic (1). ClinVar aggregate classification (oncogenicity): Oncogenic.

Submissions 10 to 18 of 63:

Cambridge Genomics Laboratory, East Genomic Laboratory Hub, NHS Genomic Medicine Service
Classification: Pathogenic for Inherited breast cancer and ovarian cancer. Last evaluated: 2025-07-16. Review status: criteria provided, single submitter. Criteria: ACGS Best Practice Guidelines for Variant Classification in Rare Disease 2020. Collection method: clinical testing. Allele origin: germline. Affected: yes. Not counted in ClinVar's aggregate classification.
Comment: PVS1,PS4_Very Strong,PM5_Strong

CeGaT Center for Human Genetics Tuebingen
Classification: Pathogenic. Last evaluated: 2025-07-01. Review status: criteria provided, single submitter. Criteria: CeGaT Center For Human Genetics Tuebingen Variant Classification Criteria Version 2. Collection method: clinical testing. Allele origin: germline. Affected: yes. Observed: 17 variant alleles. Not counted in ClinVar's aggregate classification.
Comment: BRCA2: PVS1, PS4, PM2

GeneKor MSA
Classification: Pathogenic for Hereditary breast ovarian cancer syndrome. Last evaluated: 2025-06-25. Review status: criteria provided, single submitter. Criteria: ACMG Guidelines, 2015. Collection method: clinical testing. Allele origin: germline. Affected: yes. Not counted in ClinVar's aggregate classification.
Comment: This variant is a single nucleotide duplication in exon 10 of the BRCA2 mRNA c.(1813dupA). This creates a premature translational stop signal 11 amino acid residues later p.(Ile605Asnfs*11) and is expected to result in an absent or non-functional protein product. Loss-of-function variants in BRCA2 are known to be pathogenic (PMID:20104584). This genomic alteration is also reported as 2041insA, 2034insA, and c.1806_1807insA in the published literature. This variant is present in population databases (rs80359306). This duplication has been reported in international literature in individuals with breast, ovarian, and prostate cancer and in an individual with Fanconi anaemia (PMID:11179017, 14559878, 16683254, 10923033, 21324516, 22144684, 22729890, 26787237, 25479140, 28324225, 29433453, 30257646, 32606146, 36169650). The mutation database ClinVar contains entries for this variant where it is listed as pathogenic (VCV000037762.127). Based on the classification criteria set by the ACMG and AMP (PMID:25741868) this variant has been classified as pathogenic.

Institute of Human Genetics, University of Leipzig Medical Center
Classification: Pathogenic for Familial cancer of breast. Last evaluated: 2025-06-02. Review status: criteria provided, single submitter. Criteria: ACMG Guidelines, 2015. Collection method: clinical testing. Allele origin: unknown. Inheritance: Autosomal dominant inheritance. Affected: yes. Not counted in ClinVar's aggregate classification.
Comment: Criteria applied: PVS1,PS4,PM5_STR

Ambry Genetics
Classification: Pathogenic for Hereditary cancer-predisposing syndrome. Last evaluated: 2025-03-28. Review status: criteria provided, single submitter. Criteria: Ambry Variant Classification Scheme 2023. Collection method: clinical testing. Allele origin: germline. Not counted in ClinVar's aggregate classification.
Comment: The c.1813dupA (p.I605Nfs*11) alteration, located in coding exon 9 of the BRCA2 gene, consists of a duplication of A at position 1813, causing a translational frameshift with a predicted alternate stop codon after 11 amino acids. This alteration is expected to result in loss of function by premature protein truncation or nonsense-mediated mRNA decay. Based on data from gnomAD, the AA allele has an overall frequency of 0.001% (3/232106) total alleles studied. The highest observed frequency was 0.007% (1/15242) of African alleles. This mutation has been detected in multiple individuals with breast, ovarian and prostate cancer from HBOC kindreds (Foretova, 2004; Janaviius, 2010; Zhang, 2011; Kote-Jarai, 2011; Carter, 2018; Ibrahim, 2018; Deng, 2019; Mehemmai, 2020). In one study, this variant was reported in 20/60,466 breast cancer cases and in 1/53,461 controls (Dorling, 2021). This alteration, in compound heterozygosity with another BRCA2 mutation, was also reported in an individual with Fanconi anemia (Myers, 2012). The c.1813dupA pathogenic mutation was reported in two unrelated probands with a personal and/or family history of breast/ovarian cancers and was shown to diminish DNA double strand break repair capacity in response to irradiation (Becker , 2012). Of note, this mutation is also referred to as 2041insA, 2034insA,and c.1806_1807insA in some of the published literature. Based on the available evidence, this alteration is classified as pathogenic.

Center for Genomic Medicine, Rigshospitalet, Copenhagen University Hospital
Classification: Pathogenic. Last evaluated: 2025-03-04. Review status: criteria provided, single submitter. Criteria: ACMG Guidelines, 2015. Collection method: clinical testing. Allele origin: germline. Not counted in ClinVar's aggregate classification.

St. Jude Molecular Pathology, St. Jude Children's Research Hospital
Classification: Pathogenic for Breast-ovarian cancer, familial, susceptibility to, 2. Last evaluated: 2025-01-22. Review status: criteria provided, single submitter. Criteria: St. Jude Assertion Criteria 2020. Collection method: clinical testing. Allele origin: germline. Not counted in ClinVar's aggregate classification.
Comment: The c.1813dup (p.Ile605AsnfsTer11) change inserts one nucleotide within exon 10 of BRCA2 to cause a frameshift of the protein coding sequence and the creation of a premature stop codon. This change is predicted to cause protein truncation or absence of protein due to nonsense-mediated decay. This variant has been reported in individuals with breast and ovarian cancers (PMID: 9150150, 15024741, 21324516, 22729890, 29433453, 33471991), and was demonstrated to segregate with disease in a large family (PMID: 9150150). This variant has also been reported in patients with prostate and other cancers (PMID: 22729890, 21952622). In a case-control study, this variant was observed in 20 out of 60,466 breast cancer cases compared to just 1 out of 53,461 controls, resulting in an odds ratio of 17.6 (PMID: 33471991). This variant also has been detected in two compound heterozygous individuals with a second pathogenic BRCA2 mutation who exhibited clinical features consistent with Fanconi anemia (PMID: 15070707, 21548014). This variant has a maximum subpopulation frequency of 0.0066% in gnomAD v2.1.1, and it is absent in the FLOSSIES database which contains genetic variants from women older than 70 years of age who have never had cancer. In summary, this variant meets criteria to be classified as pathogenic.

ARUP Laboratories, Molecular Genetics and Genomics, ARUP Laboratories
Classification: Pathogenic. Last evaluated: 2025-01-02. Review status: criteria provided, single submitter. Criteria: ARUP Molecular Germline Variant Investigation Process 2024. Collection method: clinical testing. Allele origin: germline. Not counted in ClinVar's aggregate classification.
Comment: The BRCA2 c.1813dup; p.Ile605AsnfsTer11 variant (rs80359306), also known as 2041insA and 2034insA, is reported in the literature in several individuals with HBOC-related cancers (Becker 2012, Foretova 2004, Ibrahim 2018, Zhang 2011), and was demonstrated to segregate with disease in a large German family (Schubert 1997). This variant has also been reported in patients with prostate and other cancers (Ibrahim 2018, Kote-Jarai 2011). This variant is reported in ClinVar and is classified as pathogenic by an expert panel (Variation ID: 37762). This variant is only found on three alleles in the Genome Aggregation Database, indicating it is not a common polymorphism. This variant causes a frameshift by inserting a single nucleotide, so it is predicted to result in a truncated protein or mRNA subject to nonsense-mediated decay. Functional data indicate that cell lines derived from patients harboring the c.1813dup variant are more susceptible than wild-type to radiation induced chromosomal abnormalities (Becker 2012). Based on available information, the p.Ile605AsnfsTer11 variant is considered to be pathogenic. REFERENCES Becker et al. A 24-color metaphase-based radiation assay discriminates heterozygous BRCA2 mutation carriers from controls by chromosomal radiosensitivity. Breast Cancer Res Treat. 2012; 135(1): 167-175. PMID: 22729890. Foretova et al. BRCA1 and BRCA2 mutations in women with familial or early-onset breast/ovarian cancer in the Czech Republic. Hum Mutat. 2004 Apr; 23(4): 397-398. PMID: 15024741. Ibrahim M et al. Male BRCA mutation carriers: clinical characteristics and cancer spectrum. BMC Cancer. 2018 Feb 13;18(1):179. PMID: 29433453. Kote-Jarai et al. BRCA2 is a moderate penetrance gene contributing to young-onset prostate cancer: implications for genetic testing in prostate cancer patients. Br J Cancer. 2011; 105(8): 1230-1234. PMID: 21952622. Schubert et al. BRCA2 in American families with four or more cases of breast or ovarian cancer: recurrent and novel mutations, variable expression, penetrance, and the possibility of families whose cancer is not attributable to BRCA1 or BRCA2. Am J Hum Genet. 1997; 60(5): 1031-1040. PMID: 9150150. Zhang et al. Frequencies of BRCA1 and BRCA2 mutations among 1,342 unselected patients with invasive ovarian cancer. Gynecol Oncol. 2011; 121(2): 353-357. PMID: 21324516.

Color Diagnostics, LLC DBA Color Health
Classification: Pathogenic for Hereditary cancer-predisposing syndrome. Last evaluated: 2024-12-17. Review status: criteria provided, single submitter. Criteria: ACMG Guidelines, 2015. Collection method: clinical testing. Allele origin: germline. Not counted in ClinVar's aggregate classification.
Comment: This variant inserts 1 nucleotide in exon 10 of the BRCA2 gene, creating a frameshift and premature translation stop signal. This variant is also known as 2034insA, 2040insA, 2041insA, 2041dupA, 2041_2042insA, c.1813insA and c.1806dupA in the literature. This variant is expected to result in an absent or non-functional protein product. This variant has been reported in a breast cancer case-control meta-analysis in 20 cases and 1 unaffected control, which is estimated to have an odds ratio for pathogenicity of OR=17.689 (95%CI 2.374 to 131.809; p-value<0.001) (PMID: 33471991; Leiden Open Variation Database DB-ID BRCA2_001802) and has also been reported in individuals affected with breast, ovarian, pancreatic, prostate and neuroendocrine cancers (PMID: 9150150, 9667259, 18042939, 20104584, 21324516, 21952622, 22729890, 25072261, 28724667, 29433453) and suspected hereditary breast and ovarian cancer families (PMID: 11802209, 21232165, 24156927). In one family, this variant was reported in 11 women affected with breast cancer across three generations (PMID: 9150150). This variant also has been detected in two compound heterozygous individuals with a second pathogenic BRCA2 mutation who exhibited clinical features consistent with Fanconi anemia (PMID: 15070707, 21548014). Haplotype analysis suggests that this variant may be a founder mutation and is common in people of German ancestry (PMID: 9585613, 23199084). This variant has been identified in 3/232106 chromosomes in the general population by the Genome Aggregation Database (gnomAD). Loss of BRCA2 function is a known mechanism of disease. Based on the available evidence, this variant is classified as Pathogenic.